The following is an entry in ClinVar:

NM_015450.3(POT1):c.947C>T (p.Pro316Leu)

Gene: POT1 (protection of telomeres 1; minus strand). Cytogenetic location: 7q31.33.
Variant type: single nucleotide variant.
Coding change: c.947C>T on transcript NM_015450.3 (MANE Select); coding-DNA position 947, C replaced by T.
Protein change: p.Pro316Leu; replaces proline 316 with leucine.
Molecular consequence: missense variant. On other transcripts: non-coding transcript variant (3).
Genome position (GRCh38, 1-based): chr7:124,851,874, G>A on the plus strand (C>T on the coding strand, the complement: POT1 is on the minus strand). VCF-style: chr7-124851874-G-A. GRCh37 (hg19) VCF-style: chr7-124491928-G-A.
Other names: c.554C>T, p.Pro185Leu (NM_001042594.2); short protein forms P185L, P316L.
Identifiers: ClinVar variation 3423142 (VCV003423142.1).

ClinVar aggregate classification (germline): Uncertain significance (1 of 4 stars; one submission).

Conditions:
Hereditary cancer-predisposing syndrome. Also called: Neoplastic Syndromes, Hereditary; Tumor predisposition; Hereditary Cancer Syndrome; Hereditary neoplastic syndrome. Identifiers: Orphanet 140162, MedGen C0027672, MeSH D009386, MONDO:0015356.

gnomAD v4.1: 1 of 1,598,784 alleles (0.000063%); highest among the groups gnomAD compares: Non-Finnish European, 0.000086%; no homozygotes.

Submission:

Ambry Genetics
Classification: Uncertain significance for Hereditary cancer-predisposing syndrome. Last evaluated: 2024-10-27. Review status: criteria provided, single submitter. Criteria: Ambry Variant Classification Scheme 2023. Collection method: clinical testing. Allele origin: germline.
Comment: The p.P316L variant (also known as c.947C>T), located in coding exon 7 of the POT1 gene, results from a C to T substitution at nucleotide position 947. The proline at codon 316 is replaced by leucine, an amino acid with similar properties. This amino acid position is conserved. In addition, this alteration is predicted to be tolerated by in silico analysis. Based on the available evidence, the clinical significance of this variant remains unclear.